The following is an entry in ClinVar:

GRCh37/hg19 Xq25(chrX:122631173-123250498)x2

Genes: STAG2 (STAG2 cohesin complex component; plus strand), THOC2 (THO complex subunit 2; minus strand), XIAP (X-linked inhibitor of apoptosis; plus strand). Cytogenetic location: Xq25.
Variant type: copy number gain.
Change: copy number 2 of chrX:122,631,173-123,250,498 (619.3 kb, GRCh37 coordinates, 1-based), cytogenetic band Xq25.
Identifiers: ClinVar variation 2685764 (VCV002685764.1).

ClinVar aggregate classification (germline): Likely pathogenic (1 of 4 stars; one submission).

Submission:

Quest Diagnostics Nichols Institute San Juan Capistrano
Classification: Likely pathogenic. Last evaluated: 2022-10-03. Review status: criteria provided, single submitter. Criteria: ACMG/ClinGen CNV Guidelines, 2019. Collection method: clinical testing. Allele origin: unknown.
Comment: The copy number gain of Xq25 involves several protein-coding genes, including THOC2 (OMIM 300395), XIAP (OMIM 300079), and STAG2 (OMIM 300826). Gains of the Xq25 region that include THOC2, XIAP, and STAG2 have been identified in several families with a range of phenotypes (Di Benedetto 2014, Kumar 2015, Yingjun 2015, Leroy 2016, Bonnet 2009). There are no similar copy number gains of this region in the general populations of the Database of Genomic Variants. Thus, based on current medical literature and gene content, this copy number variant (CNV) is classified as likely pathogenic, although clinical presentation in a female is likely dependent upon X-inactivation status. References: Bonnet et al., Am J Med Genet A. 2009 Jun;149A(6):1280-9. PMID: 19449417 Di Benedetto et al., Am J Med Genet A. 2014 Aug;164A(8):1923-30. PMID: 24733578 Kumar et al., Hum Mol Genet. 2015 Dec 20;24(25):7171-81. PMID: 26443594 Leroy et al., Clin Genet. 2016 Jan;89(1):68-73. PMID: 25677961 Yingjun et al., Eur J Med Genet. 2015 Feb;58(2):116-21. PMID: 25450604